The following is an entry in ClinVar:

NM_015100.4(POGZ):c.1136G>T (p.Arg379Leu)

Gene: POGZ (pogo transposable element derived with ZNF domain; minus strand). Cytogenetic location: 1q21.3.
Variant type: single nucleotide variant.
Coding change: c.1136G>T on transcript NM_015100.4 (MANE Select); coding-DNA position 1136, G replaced by T.
Protein change: p.Arg379Leu; replaces arginine 379 with leucine.
Molecular consequence: missense variant.
Genome position (GRCh38, 1-based): chr1:151,425,004, C>A on the plus strand (G>T on the coding strand, the complement: POGZ is on the minus strand). VCF-style: chr1-151425004-C-A. GRCh37 (hg19) VCF-style: chr1-151397480-C-A.
Other names: c.1109G>T, p.Arg370Leu (NM_001194937.2); c.950G>T, p.Arg317Leu (NM_001194938.2); c.1157G>T, p.Arg386Leu (NM_001410860.1); c.851G>T, p.Arg284Leu (NM_145796.4); c.977G>T, p.Arg326Leu (NM_207171.2); short protein forms R284L, R317L, R326L, R370L, R379L, R386L.
Identifiers: ClinVar variation 2633084 (VCV002633084.1), dbSNP rs781293458, ClinGen allele CA341973014.

ClinVar aggregate classification (germline): Uncertain significance (1 of 4 stars; one submission).

Conditions:
POGZ-related disorder. Also called: POGZ-related condition.

Submission:

PreventionGenetics, part of Exact Sciences
Classification: Uncertain significance for POGZ-related condition. Last evaluated: 2023-04-25. Review status: criteria provided, single submitter. Criteria: ACMG Guidelines, 2015. Collection method: clinical testing. Allele origin: germline.
Comment: The POGZ c.1136G>T variant is predicted to result in the amino acid substitution p.Arg379Leu. To our knowledge, this variant has not been reported in the literature or in a large population database, indicating this variant is rare. At this time, the clinical significance of this variant is uncertain due to the absence of conclusive functional and genetic evidence.